The following is an entry in ClinVar:

ClinVar aggregate classification (germline): Uncertain significance. Review status: criteria provided, multiple submitters, no conflicts (2 of 4 stars). 3 submissions from 3 submitters: Uncertain significance (3). Last evaluated 2025-09-11.

Conditions:
Inborn genetic diseases. Identifiers: MedGen C0950123, MeSH D030342.
VCAN-related disorder. Also called: VCAN-related condition.

gnomAD v4.1: 11 of 1,613,932 alleles (0.00068%); highest among the groups gnomAD compares: Non-Finnish European, 0.00093%; no homozygotes.

Submissions (3):

Ambry Genetics
Classification: Uncertain significance for Inborn genetic diseases. Last evaluated: 2025-09-11. Review status: criteria provided, single submitter. Criteria: Ambry Variant Classification Scheme 2023. Collection method: clinical testing. Allele origin: germline.

PreventionGenetics, part of Exact Sciences
Classification: Uncertain significance for VCAN-related condition. Last evaluated: 2023-06-06. Review status: criteria provided, single submitter. Criteria: ACMG Guidelines, 2015. Collection method: clinical testing. Allele origin: germline.
Comment: The VCAN c.1486G>A variant is predicted to result in the amino acid substitution p.Gly496Ser. To our knowledge, this variant has not been reported in the literature. This variant is reported in 0.0018% of alleles in individuals of European (Non-Finnish) descent in gnomAD. At this time, the clinical significance of this variant is uncertain due to the absence of conclusive functional and genetic evidence.

Blueprint Genetics
Classification: Uncertain significance. Last evaluated: 2022-02-09. Review status: criteria provided, single submitter. Criteria: ACMG Guidelines, 2015. Collection method: clinical testing. Allele origin: germline.

NM_004385.5(VCAN):c.1486G>A (p.Gly496Ser)

Gene: VCAN (versican; plus strand). Cytogenetic location: 5q14.3.
Variant type: single nucleotide variant.
Coding change: c.1486G>A on transcript NM_004385.5 (MANE Select); coding-DNA position 1486, G replaced by A.
Protein change: p.Gly496Ser; replaces glycine 496 with serine.
Molecular consequence: missense variant. On other transcripts: intron variant (2).
Genome position (GRCh38, 1-based): chr5:83,519,792, G>A. VCF-style: chr5-83519792-G-A. GRCh37 (hg19) VCF-style: chr5-82815611-G-A.
Other names: c.1486G>A, p.Gly496Ser (NM_001164098.2); c.1042+7396G>A (NM_001164097.2, NM_001126336.3); short protein forms G496S.
Identifiers: ClinVar variation 2632004 (VCV002632004.3), dbSNP rs763154845, ClinGen allele CA3332688.